The following is an entry in ClinVar:

ClinVar aggregate classification (germline): Uncertain significance. Review status: criteria provided, multiple submitters, no conflicts (2 of 4 stars). 4 submissions from 4 submitters: Uncertain significance (3). 1 of the submissions does not count toward it. Last evaluated 2024-03-17.

Conditions:
Fanconi anemia complementation group C (FANCC). Also called: FANCONI PANCYTOPENIA, TYPE 3; FACC; Fanconi anemia, group C; FANCC-Related Fanconi Anemia. Identifiers: Orphanet 84, MedGen C3468041, MONDO:0009213, OMIM 227645.
Fanconi anemia (FA). Also called: Fanconi's anemia. Identifiers: Orphanet 84, MedGen C0015625, MeSH D005199, MONDO:0019391.

Allele frequency attached by ClinVar (database versions not stated): gnomAD exomes 0.00001.
gnomAD v4.1: 4 of 1,613,376 alleles (0.00025%); highest among the groups gnomAD compares: Non-Finnish European, 0.00034%; no homozygotes.

Submissions (4):

Fulgent Genetics
Classification: Uncertain significance for Fanconi anemia complementation group C. Last evaluated: 2024-03-17. Review status: criteria provided, single submitter. Criteria: ACMG Guidelines, 2015. Collection method: clinical testing. Allele origin: germline.

Labcorp Genetics (formerly Invitae), Labcorp
Classification: Uncertain significance for Fanconi anemia. Last evaluated: 2023-11-17. Review status: criteria provided, single submitter. Criteria: Invitae Variant Classification Sherloc (09022015). Collection method: clinical testing. Allele origin: germline.
Comment: This sequence change replaces leucine, which is neutral and non-polar, with arginine, which is basic and polar, at codon 138 of the FANCC protein (p.Leu138Arg). This variant is not present in population databases (gnomAD no frequency). This variant has not been reported in the literature in individuals affected with FANCC-related conditions. ClinVar contains an entry for this variant (Variation ID: 584741). Advanced modeling of protein sequence and biophysical properties (such as structural, functional, and spatial information, amino acid conservation, physicochemical variation, residue mobility, and thermodynamic stability) performed at Invitae indicates that this missense variant is expected to disrupt FANCC protein function with a positive predictive value of 80%. In summary, the available evidence is currently insufficient to determine the role of this variant in disease. Therefore, it has been classified as a Variant of Uncertain Significance.

Mendelics
Classification: Uncertain significance for Fanconi anemia, complementation group C. Last evaluated: 2018-07-02. Review status: criteria provided, single submitter. Criteria: Mendelics Assertion Criteria 2017. Collection method: clinical testing. Allele origin: unknown.

Natera, Inc.
Classification: Uncertain significance for Fanconi anemia. Last evaluated: 2018-06-02. Review status: no assertion criteria provided. Collection method: clinical testing. Allele origin: germline. Not counted in ClinVar's aggregate classification.

NM_000136.3(FANCC):c.413T>G (p.Leu138Arg)

Gene: FANCC (FA complementation group C; minus strand). Cytogenetic location: 9q22.32.
Variant type: single nucleotide variant.
Coding change: c.413T>G on transcript NM_000136.3 (MANE Select); coding-DNA position 413, T replaced by G.
Protein change: p.Leu138Arg; replaces leucine 138 with arginine.
Molecular consequence: missense variant.
Genome position (GRCh38, 1-based): chr9:95,172,080, A>C on the plus strand (T>G on the coding strand, the complement: FANCC is on the minus strand). VCF-style: chr9-95172080-A-C. GRCh37 (hg19) VCF-style: chr9-97934362-A-C.
Other names: c.413T>G, p.Leu138Arg (NM_001243743.2, NM_001243744.2); short protein forms L138R.
Identifiers: ClinVar variation 584741 (VCV000584741.16), dbSNP rs1564720454, ClinGen allele CA374338780.